The following is an entry in ClinVar:

NM_001009944.3(PKD1):c.3420del (p.Gly1141fs)

Gene: PKD1 (polycystin 1, transient receptor potential channel interacting; minus strand). Cytogenetic location: 16p13.3.
Variant type: Deletion.
Coding change: c.3420del on transcript NM_001009944.3 (MANE Select); coding-DNA position 3420, one base deleted (C; older notation c.3420delC).
Protein change: p.Gly1141fs; shifts the reading frame from glycine 1141.
Molecular consequence: frameshift variant.
Genome position (GRCh38, 1-based): chr16:2,111,747, G deleted on the plus strand (C on the coding strand, the reverse complement: PKD1 is on the minus strand); the first of 2 consecutive G bases (chr16:2,111,747-2,111,748); deleting either gives the same sequence. VCF-style (leftmost placement, unchanged base first): chr16-2111746-CG-C. GRCh37 (hg19) VCF-style: chr16-2161747-CG-C.
Other names: c.3420delC (NM_001009944.2); c.3420del, p.Gly1141fs (NM_000296.4); short protein forms G1141fs.
Identifiers: ClinVar variation 3345616 (VCV003345616.2).
Genomic context (GRCh38, chr16:2,111,746, plus strand): 5'-ACGTGTAAAGAACACCCCCAGGCGAGGGCAGCGGGTGCGGGTAGAAGGTGACGGGCCGGC[CG>C]GCCACCAGGACGCCGTCACTCACACCCACAGCCACGGAGGGCAGGGAGGCGCGCACGCTC-3'

ClinVar aggregate classification (germline): Pathogenic. Review status: criteria provided, single submitter (1 of 4 stars). 2 submissions from 2 submitters: Pathogenic (1). 1 of the submissions does not count toward it. Last evaluated 2024-03-04.

Conditions:
Polycystic kidney disease, adult type (PKD1). Also called: Polycystic Kidney, Autosomal Dominant; POLYCYSTIC KIDNEY DISEASE 1 WITH OR WITHOUT POLYCYSTIC LIVER DISEASE; POLYCYSTIC KIDNEY DISEASE, ADULT, TYPE I; Polycystic Kidney Disease 1, Autosomal Dominant; Polycystic kidney disease 1; Polycystic kidney disease 1, severe. Identifiers: MedGen C3149841, MONDO:0008263, OMIM 173900.
PKD1-related disorder. Also called: PKD1-related condition.

Submissions (2):

Fulgent Genetics
Classification: Pathogenic for Polycystic kidney disease, adult type. Last evaluated: 2024-03-04. Review status: criteria provided, single submitter. Criteria: ACMG Guidelines, 2015. Collection method: clinical testing. Allele origin: germline.

PreventionGenetics, part of Exact Sciences
Classification: Pathogenic for PKD1-related condition. Last evaluated: 2024-08-26. Review status: no assertion criteria provided. Collection method: clinical testing. Allele origin: germline. Not counted in ClinVar's aggregate classification.
Comment: The PKD1 c.3420delC variant is predicted to result in a frameshift and premature protein termination (p.Gly1141Alafs*30). To our knowledge, this variant has not been reported in the literature or in a large population database, indicating this variant is rare. Frameshift variants in PKD1 are expected to be pathogenic. This variant is interpreted as pathogenic.